The following is an entry in ClinVar:

ClinVar aggregate classification (germline): Likely pathogenic (1 of 4 stars; one submission).

Conditions:
Catecholaminergic polymorphic ventricular tachycardia 1. Also called: VENTRICULAR TACHYCARDIA, CATECHOLAMINERGIC POLYMORPHIC, 1, WITH OR WITHOUT ATRIAL DYSFUNCTION AND/OR DILATED CARDIOMYOPATHY; VENTRICULAR TACHYCARDIA, STRESS-INDUCED POLYMORPHIC 1; RYR2-Related Catecholaminergic Polymorphic Ventricular Tachycardia. Identifiers: Orphanet 3286, MedGen C1631597, MONDO:0011484, OMIM 604772.

Submission:

Labcorp Genetics (formerly Invitae), Labcorp
Classification: Likely pathogenic for Catecholaminergic polymorphic ventricular tachycardia 1. Last evaluated: 2024-10-11. Review status: criteria provided, single submitter. Criteria: Invitae Variant Classification Sherloc (09022015). Collection method: clinical testing. Allele origin: germline.
Comment: This sequence change affects an acceptor splice site in intron 1 of the TRDN gene. It is expected to disrupt RNA splicing. Variants that disrupt the donor or acceptor splice site typically lead to a loss of protein function (PMID: 16199547), and loss-of-function variants in TRDN are known to be pathogenic (PMID: 22422768, 25922419, 26200674, 30649896). This variant is not present in population databases (gnomAD no frequency). This variant has not been reported in the literature in individuals affected with TRDN-related conditions. Algorithms developed to predict the effect of sequence changes on RNA splicing suggest that this variant may disrupt the consensus splice site. In summary, the currently available evidence indicates that the variant is pathogenic, but additional data are needed to prove that conclusively. Therefore, this variant has been classified as Likely Pathogenic.

Literature cited by the submitters: PubMed 16199547; PubMed 22422768; PubMed 25922419; PubMed 26200674; PubMed 30649896.

NM_006073.4(TRDN):c.23-2A>G

Gene: TRDN (triadin; minus strand). Cytogenetic location: 6q22.31.
Variant type: single nucleotide variant.
Coding change: c.23-2A>G on transcript NM_006073.4 (MANE Select); the canonical splice acceptor site of the intron before coding-DNA position 23, A replaced by G.
Molecular consequence: splice acceptor variant.
Genome position (GRCh38, 1-based): chr6:123,571,134, T>C on the plus strand (A>G on the coding strand, the complement: TRDN is on the minus strand). VCF-style: chr6-123571134-T-C. GRCh37 (hg19) VCF-style: chr6-123892279-T-C.
Other names: c.23-2A>G (NM_001407315.1, NM_001251987.2, NM_001256020.2 and 2 more transcripts).
Identifiers: ClinVar variation 3669900 (VCV003669900.2).